The following is an entry in ClinVar:

NM_020778.5(ALPK3):c.2453G>A (p.Cys818Tyr)

Gene: ALPK3 (alpha kinase 3; plus strand). Cytogenetic location: 15q25.3.
Variant type: single nucleotide variant.
Coding change: c.2453G>A on transcript NM_020778.5 (MANE Select); coding-DNA position 2453, G replaced by A.
Protein change: p.Cys818Tyr; replaces cysteine 818 with tyrosine.
Molecular consequence: missense variant.
Genome position (GRCh38, 1-based): chr15:84,857,191, G>A. VCF-style: chr15-84857191-G-A. GRCh37 (hg19) VCF-style: chr15-85400422-G-A.
Other names: short protein forms C818Y.
Identifiers: ClinVar variation 3613527 (VCV003613527.2).

ClinVar aggregate classification (germline): Uncertain significance (1 of 4 stars; one submission).

gnomAD v4.1: 4 of 1,613,882 alleles (0.00025%); highest among the groups gnomAD compares: African/African-American, 0.0027%; no homozygotes.

Submission:

Labcorp Genetics (formerly Invitae), Labcorp
Classification: Uncertain significance. Last evaluated: 2024-12-30. Review status: criteria provided, single submitter. Criteria: Invitae Variant Classification Sherloc (09022015). Collection method: clinical testing. Allele origin: germline.
Comment: This sequence change replaces cysteine, which is neutral and slightly polar, with tyrosine, which is neutral and polar, at codon 1020 of the ALPK3 protein (p.Cys1020Tyr). This variant is not present in population databases (gnomAD no frequency). This variant has not been reported in the literature in individuals affected with ALPK3-related conditions. Invitae Evidence Modeling of protein sequence and biophysical properties (such as structural, functional, and spatial information, amino acid conservation, physicochemical variation, residue mobility, and thermodynamic stability) indicates that this missense variant is not expected to disrupt ALPK3 protein function with a negative predictive value of 80%. In summary, the available evidence is currently insufficient to determine the role of this variant in disease. Therefore, it has been classified as a Variant of Uncertain Significance.